The following is an entry in ClinVar:

NM_001375505.1(MAP2):c.5280A>G (p.Gln1760=)

Gene: MAP2 (microtubule associated protein 2; plus strand). Cytogenetic location: 2q34.
Variant type: single nucleotide variant.
Coding change: c.5280A>G on transcript NM_001375505.1 (MANE Select); coding-DNA position 5280, A replaced by G.
Protein change: p.Gln1760=; no amino-acid change (glutamine 1760 retained).
Molecular consequence: synonymous variant. On other transcripts: non-coding transcript variant (6).
Genome position (GRCh38, 1-based): chr2:209,730,193, A>G. VCF-style: chr2-209730193-A-G. GRCh37 (hg19) VCF-style: chr2-210594917-A-G.
Other names: c.1476A>G, p.Gln492= (NM_001039538.2); c.5268A>G, p.Gln1756= (NM_001363910.2, NM_001363911.2, NM_001375528.1); c.1212A>G, p.Gln404= (NM_001363913.2, NM_001375493.1, NM_001375583.1 and 1 more transcripts); c.1383A>G, p.Gln461= (NM_001375474.1); c.1554A>G, p.Gln518= (NM_001375495.1, NM_001375510.1, NM_001375536.1); c.1473A>G, p.Gln491= (NM_001375496.1); c.1209A>G, p.Gln403= (NM_001375497.1, NM_001375529.1, NM_001375530.1 and 2 more transcripts); c.1548A>G, p.Gln516= (NM_001375498.1, NM_001375540.1); and 18 more.
Identifiers: ClinVar variation 712992 (VCV000712992.29), dbSNP rs144328342, ClinGen allele CA2082624.

ClinVar aggregate classification (germline): Benign/Likely benign. Review status: criteria provided, multiple submitters, no conflicts (2 of 4 stars). 3 submissions from 3 submitters: Benign (2); Likely benign (1). Last evaluated 2022-11-01.

Allele frequency attached by ClinVar (database versions not stated): gnomAD exomes 0.00146 and 0.00155; ExAC 0.00187; 1000 Genomes Project 0.00200; 1000 Genomes Project 30x 0.00203; gnomAD 0.00208 and 0.00225; TOPMed 0.00219; ESP Exome Variant Server 0.00231.
gnomAD v4.1: 2,444 of 1,613,974 alleles (0.15%); highest among the groups gnomAD compares: African/African-American, 0.45%; 3 homozygotes.

Submissions (3):

CeGaT Center for Human Genetics Tuebingen
Classification: Likely benign. Last evaluated: 2022-11-01. Review status: criteria provided, single submitter. Criteria: CeGaT Center For Human Genetics Tuebingen Variant Classification Criteria Version 2. Collection method: clinical testing. Allele origin: germline. Affected: yes. Observed: 1 variant allele.
Comment: MAP2: BP4, BP7

Labcorp Genetics (formerly Invitae), Labcorp
Classification: Benign. Last evaluated: 2019-12-31. Review status: criteria provided, single submitter. Criteria: Invitae Variant Classification Sherloc (09022015). Collection method: clinical testing. Allele origin: germline.

Breakthrough Genomics
Classification: Benign. Review status: criteria provided, single submitter. Criteria: ACMG Guidelines, 2015. Collection method: not provided. Allele origin: germline. Inheritance: Unknown mechanism. Affected: yes.